The following is an entry in ClinVar:

NM_003073.5(SMARCB1):c.10A>G (p.Met4Val)

Gene: SMARCB1 (SWI/SNF related BAF chromatin remodeling complex subunit B1; plus strand). Cytogenetic location: 22q11.23.
Variant type: single nucleotide variant.
Coding change: c.10A>G on transcript NM_003073.5 (MANE Select); coding-DNA position 10, A replaced by G.
Protein change: p.Met4Val; replaces methionine 4 with valine.
Molecular consequence: missense variant.
Genome position (GRCh38, 1-based): chr22:23,787,179, A>G. VCF-style: chr22-23787179-A-G. GRCh37 (hg19) VCF-style: chr22-24129366-A-G.
Other names: c.10A>G, p.Met4Val (NM_001007468.3, NM_001317946.2, NM_001362877.2); short protein forms M4V.
Identifiers: ClinVar variation 3612504 (VCV003612504.2).
Genomic context (GRCh38, chr22:23,787,179, plus strand): 5'-CCCTCCTGATCCCTCGCAGCCCGGCTCCGGCCGCCCGCCTCTGCCGCCGCAATGATGATG[A>G]TGGCGCTGAGCAAGACCTTCGGGCAGAAGCCCGTGAAGTTCCAGCTGGAGGACGACGGCG-3'
Protein context (NP_003064.2, residues 1-14): MMM[Met4Val]ALSKTFGQKP

ClinVar aggregate classification (germline): Uncertain significance (1 of 4 stars; one submission).

Submission:

Labcorp Genetics (formerly Invitae), Labcorp
Classification: Uncertain significance. Last evaluated: 2024-02-11. Review status: criteria provided, single submitter. Criteria: Invitae Variant Classification Sherloc (09022015). Collection method: clinical testing. Allele origin: germline.
Comment: This sequence change replaces methionine, which is neutral and non-polar, with valine, which is neutral and non-polar, at codon 4 of the SMARCB1 protein (p.Met4Val). This variant is not present in population databases (gnomAD no frequency). This variant has not been reported in the literature in individuals affected with SMARCB1-related conditions. An algorithm developed to predict the effect of missense changes on protein structure and function (PolyPhen-2) suggests that this variant is likely to be tolerated. In summary, the available evidence is currently insufficient to determine the role of this variant in disease. Therefore, it has been classified as a Variant of Uncertain Significance.